The following is an entry in ClinVar:

ClinVar aggregate classification (germline): Uncertain significance (1 of 4 stars; one submission).

gnomAD v4.1: 1 of 1,613,798 alleles (0.000062%); highest among the groups gnomAD compares: South Asian, 0.0011%; no homozygotes.

Submission:

Mayo Clinic Laboratories, Mayo Clinic
Classification: Uncertain significance. Last evaluated: 2025-12-13. Review status: criteria provided, single submitter. Criteria: ACMG Guidelines, 2015. Collection method: clinical testing. Allele origin: germline. Observed: 1 variant allele.
Comment: BP4_moderate, PM2_supporting

NM_015202.5(KATNIP):c.529G>T (p.Asp177Tyr)

Gene: KATNIP (katanin interacting protein; plus strand). Cytogenetic location: 16p12.1.
Variant type: single nucleotide variant.
Coding change: c.529G>T on transcript NM_015202.5 (MANE Select); coding-DNA position 529, G replaced by T.
Protein change: p.Asp177Tyr; replaces aspartic acid 177 with tyrosine.
Molecular consequence: missense variant.
Genome position (GRCh38, 1-based): chr16:27,648,724, G>T. VCF-style: chr16-27648724-G-T. GRCh37 (hg19) VCF-style: chr16-27660045-G-T.
Other names: p.Asp177Tyr; short protein forms D177Y.
Identifiers: ClinVar variation 4542019 (VCV004542019.1).
Genomic context (GRCh38, chr16:27,648,724, plus strand): 5'-TATTCTGATGATTTTGAGCTGTGTGGGGATGTGACTCTCCAGGCAAACAACACTTCTGAG[G>T]ATCGTCCGCAGGTAGGGATGGCCTTGGCCTTGTGCTCGGGACACCTGAAGGACGGCGAGG-3'
Protein context (NP_056017.4, residues 167-187): VTLQANNTSE[Asp177Tyr]RPQELRRSLE